The following is an entry in ClinVar:

ClinVar aggregate classification (germline): Uncertain significance (1 of 4 stars; one submission).

Submission:

Labcorp Genetics (formerly Invitae), Labcorp
Classification: Uncertain significance. Last evaluated: 2026-01-20. Review status: criteria provided, single submitter. Criteria: Invitae Variant Classification Sherloc (09022015). Collection method: clinical testing. Allele origin: germline.
Comment: This sequence change replaces arginine, which is basic and polar, with glutamine, which is neutral and polar, at codon 389 of the LIPG protein (p.Arg389Gln). This variant is present in population databases (rs181279169, gnomAD 0.02%). This variant has not been reported in the literature in individuals affected with LIPG-related conditions. ClinVar contains an entry for this variant (Variation ID: 3723135). An algorithm developed to predict the effect of missense changes on protein structure and function outputs the following: PolyPhen-2: "Benign". The glutamine amino acid residue is found in multiple mammalian species, which suggests that this missense change does not adversely affect protein function. Experimental studies have shown that this missense change affects LIPG function (PMID: 23536757). In summary, the available evidence is currently insufficient to determine the role of this variant in disease. Therefore, it has been classified as a Variant of Uncertain Significance.

Literature cited by the submitters: PubMed 23536757.

NM_006033.4(LIPG):c.1166G>A (p.Arg389Gln)

Gene: LIPG (lipase G, endothelial type; plus strand). Cytogenetic location: 18q21.1.
Variant type: single nucleotide variant.
Coding change: c.1166G>A on transcript NM_006033.4 (MANE Select); coding-DNA position 1166, G replaced by A.
Protein change: p.Arg389Gln; replaces arginine 389 with glutamine.
Molecular consequence: missense variant.
Genome position (GRCh38, 1-based): chr18:49,583,564, G>A. VCF-style: chr18-49583564-G-A. GRCh37 (hg19) VCF-style: chr18-47109934-G-A.
Other names: c.944G>A, p.Arg315Gln (NM_001308006.2); short protein forms R315Q, R389Q.
Identifiers: ClinVar variation 3723135 (VCV003723135.2).